The following is an entry in ClinVar:

ClinVar aggregate classification (germline): Uncertain significance (1 of 4 stars; one submission).

Conditions:
Neuronal ceroid lipofuscinosis. Also called: Neuronal Ceroid Lipofuscinoses. Identifiers: Orphanet 216, Orphanet 79263, MedGen C0027877, MONDO:0016295. Disease mechanism: loss of function.

Submission:

Labcorp Genetics (formerly Invitae), Labcorp
Classification: Uncertain significance for Neuronal ceroid lipofuscinosis. Last evaluated: 2025-08-16. Review status: criteria provided, single submitter. Criteria: Invitae Variant Classification Sherloc (09022015). Collection method: clinical testing. Allele origin: germline.
Comment: This sequence change replaces methionine, which is neutral and non-polar, with isoleucine, which is neutral and non-polar, at codon 211 of the CLN8 protein (p.Met211Ile). This variant is not present in population databases (gnomAD no frequency). This variant has not been reported in the literature in individuals affected with CLN8-related conditions. Invitae Evidence Modeling of protein sequence and biophysical properties (such as structural, functional, and spatial information, amino acid conservation, physicochemical variation, residue mobility, and thermodynamic stability) indicates that this missense variant is not expected to disrupt CLN8 protein function with a negative predictive value of 95%. In summary, the available evidence is currently insufficient to determine the role of this variant in disease. Therefore, it has been classified as a Variant of Uncertain Significance.

NM_018941.4(CLN8):c.633G>C (p.Met211Ile)

Gene: CLN8 (CLN8 transmembrane ER and ERGIC protein; plus strand). Cytogenetic location: 8p23.3.
Variant type: single nucleotide variant.
Coding change: c.633G>C on transcript NM_018941.4 (MANE Select); coding-DNA position 633, G replaced by C.
Protein change: p.Met211Ile; replaces methionine 211 with isoleucine.
Molecular consequence: missense variant.
Genome position (GRCh38, 1-based): chr8:1,780,339, G>C. VCF-style: chr8-1780339-G-C. GRCh37 (hg19) VCF-style: chr8-1728505-G-C.
Other names: short protein forms M211I.
Identifiers: ClinVar variation 4710047 (VCV004710047.1).